The following is an entry in ClinVar:

NM_139058.3(ARX):c.1640delinsGAG (p.Thr547fs)

Gene: ARX (aristaless related homeobox; minus strand). Cytogenetic location: Xp21.3.
Variant type: Indel.
Coding change: c.1640delinsGAG on transcript NM_139058.3 (MANE Select); coding-DNA position 1640, C replaced by GAG.
Protein change: p.Thr547fs; shifts the reading frame from threonine 547.
Molecular consequence: frameshift variant.
Genome position (GRCh38, 1-based): chrX:25,004,719, G replaced by CTC on the plus strand (C replaced by GAG on the coding strand, the reverse complement: ARX is on the minus strand). VCF-style: chrX-25004719-G-CTC. GRCh37 (hg19) VCF-style: chrX-25022836-G-CTC.
Other names: short protein forms T547fs.
Identifiers: ClinVar variation 4994633 (VCV004994633.1).

ClinVar aggregate classification (germline): Uncertain significance (1 of 4 stars; one submission).

Conditions:
ARX-related disorder. Also called: ARX-Related Disorders; ARX-related condition. Identifiers: MedGen CN378769.

Submission:

PreventionGenetics, part of Exact Sciences
Classification: Uncertain significance for ARX-related condition. Last evaluated: 2026-02-12. Review status: criteria provided, single submitter. Criteria: ACMG Guidelines, 2015. Collection method: clinical testing. Allele origin: germline.
Comment: The ARX c.1640delinsGAG variant is predicted to result in a frameshift and premature protein termination (p.Thr547Argfs*111). To our knowledge, this variant has not been reported in the literature or in a large population database (gnomAD), indicating this variant is rare. It is located near the terminal end of the last exon, and only one other early termination change has been documented as causative downstream, with minimal information supporting pathogenicity (Supplementary table 4, Lindy et al. 2018. PubMed ID: 29655203). Other nearby causative changes are reported in this exon upstream. Although we suspect that this variant may be pathogenic, at this time, the clinical significance of this variant is uncertain due to the absence of conclusive functional and genetic evidence.